The following is an entry in ClinVar:

ClinVar aggregate classification (germline): Conflicting classifications of pathogenicity. Review status: criteria provided, conflicting classifications (1 of 4 stars). 3 submissions from 3 submitters: Uncertain significance (2); Likely benign (1). Last evaluated 2024-10-04.

Conditions:
Early-infantile DEE. Also called: Early infantile epileptic encephalopathy with suppression bursts; Early infantile epileptic encephalopathy; Ohtahara syndrome. Identifiers: Orphanet 1934, MedGen C0393706, MONDO:0800491.
Inborn genetic diseases. Identifiers: MedGen C0950123, MeSH D030342.

Allele frequency attached by ClinVar (database versions not stated): ExAC 0.00001; gnomAD 0.00001; gnomAD exomes 0.00001; TOPMed 0.00003.
gnomAD v4.1: 6 of 1,613,944 alleles (0.00037%); highest among the groups gnomAD compares: South Asian, 0.0022%; no homozygotes.

Submissions (3):

Ambry Genetics
Classification: Likely benign for Inborn genetic diseases. Last evaluated: 2024-10-04. Review status: criteria provided, single submitter. Criteria: Ambry Variant Classification Scheme 2023. Collection method: clinical testing. Allele origin: germline.

Labcorp Genetics (formerly Invitae), Labcorp
Classification: Uncertain significance for Early-infantile DEE. Last evaluated: 2023-11-25. Review status: criteria provided, single submitter. Criteria: Invitae Variant Classification Sherloc (09022015). Collection method: clinical testing. Allele origin: germline.
Comment: This sequence change replaces lysine, which is basic and polar, with asparagine, which is neutral and polar, at codon 1968 of the SPTAN1 protein (p.Lys1968Asn). This variant is present in population databases (rs778709187, gnomAD 0.006%). This variant has not been reported in the literature in individuals affected with SPTAN1-related conditions. ClinVar contains an entry for this variant (Variation ID: 461231). Advanced modeling of protein sequence and biophysical properties (such as structural, functional, and spatial information, amino acid conservation, physicochemical variation, residue mobility, and thermodynamic stability) has been performed at Invitae for this missense variant, however the output from this modeling did not meet the statistical confidence thresholds required to predict the impact of this variant on SPTAN1 protein function. In summary, the available evidence is currently insufficient to determine the role of this variant in disease. Therefore, it has been classified as a Variant of Uncertain Significance.

Breakthrough Genomics
Classification: Uncertain significance. Review status: criteria provided, single submitter. Criteria: ACMG Guidelines, 2015. Collection method: not provided. Allele origin: germline. Inheritance: Autosomal dominant inheritance. Affected: yes.

NM_001130438.3(SPTAN1):c.5904A>T (p.Lys1968Asn)

Gene: SPTAN1 (spectrin alpha, non-erythrocytic 1; plus strand). Cytogenetic location: 9q34.11.
Variant type: single nucleotide variant.
Coding change: c.5904A>T on transcript NM_001130438.3 (MANE Select); coding-DNA position 5904, A replaced by T.
Protein change: p.Lys1968Asn; replaces lysine 1968 with asparagine.
Molecular consequence: missense variant.
Genome position (GRCh38, 1-based): chr9:128,624,399, A>T. VCF-style: chr9-128624399-A-T. GRCh37 (hg19) VCF-style: chr9-131386678-A-T.
Other names: c.5829A>T, p.Lys1943Asn (NM_001195532.2); c.5904A>T, p.Lys1968Asn (NM_001363759.2); c.5844A>T, p.Lys1948Asn (NM_001363765.2); c.5889A>T, p.Lys1963Asn (NM_003127.4); short protein forms K1968N, K1948N, K1943N, K1963N.
Identifiers: ClinVar variation 461231 (VCV000461231.12), dbSNP rs778709187, ClinGen allele CA5265591.